The following is an entry in ClinVar:

NM_144997.7(FLCN):c.1723T>C (p.Ser575Pro)

Gene: FLCN (folliculin; minus strand). Cytogenetic location: 17p11.2.
Variant type: single nucleotide variant.
Coding change: c.1723T>C on transcript NM_144997.7 (MANE Select); coding-DNA position 1723, T replaced by C.
Protein change: p.Ser575Pro; replaces serine 575 with proline.
Molecular consequence: missense variant.
Genome position (GRCh38, 1-based): chr17:17,213,672, A>G on the plus strand (T>C on the coding strand, the complement: FLCN is on the minus strand). VCF-style: chr17-17213672-A-G. GRCh37 (hg19) VCF-style: chr17-17116986-A-G.
Other names: c.1777T>C, p.Ser593Pro (NM_001353229.2); c.1723T>C, p.Ser575Pro (NM_001353230.2, NM_001353231.2); short protein forms S575P, S593P.
Identifiers: ClinVar variation 3229240 (VCV003229240.1), dbSNP rs2544121078, ClinGen allele CA398529780.

ClinVar aggregate classification (germline): Uncertain significance (1 of 4 stars; one submission).

Conditions:
Hereditary cancer-predisposing syndrome. Also called: Neoplastic Syndromes, Hereditary; Tumor predisposition; Hereditary neoplastic syndrome; Hereditary Cancer Syndrome. Identifiers: Orphanet 140162, MedGen C0027672, MeSH D009386, MONDO:0015356.

Submission:

Ambry Genetics
Classification: Uncertain significance for Hereditary cancer-predisposing syndrome. Last evaluated: 2023-11-10. Review status: criteria provided, single submitter. Criteria: Ambry Variant Classification Scheme 2023. Collection method: clinical testing. Allele origin: germline.
Comment: The p.S575P variant (also known as c.1723T>C), located in coding exon 11 of the FLCN gene, results from a T to C substitution at nucleotide position 1723. The serine at codon 575 is replaced by proline, an amino acid with similar properties. This amino acid position is conserved. In addition, the in silico prediction for this alteration is inconclusive. Since supporting evidence is limited at this time, the clinical significance of this alteration remains unclear.